The following is an entry in ClinVar:

ClinVar aggregate classification (germline): Uncertain significance (1 of 4 stars; one submission).

Allele frequency attached by ClinVar (database versions not stated): gnomAD exomes below 0.00001; TOPMed 0.00001.
gnomAD v4.1: 1 of 1,614,012 alleles (0.000062%); highest among the groups gnomAD compares: African/African-American, 0.0013%; no homozygotes.

Submission:

Labcorp Genetics (formerly Invitae), Labcorp
Classification: Uncertain significance. Last evaluated: 2022-05-17. Review status: criteria provided, single submitter. Criteria: Invitae Variant Classification Sherloc (09022015). Collection method: clinical testing. Allele origin: germline.
Comment: This variant is not present in population databases (gnomAD no frequency). In summary, the available evidence is currently insufficient to determine the role of this variant in disease. Therefore, it has been classified as a Variant of Uncertain Significance. Algorithms developed to predict the effect of missense changes on protein structure and function are either unavailable or do not agree on the potential impact of this missense change (SIFT: "Deleterious"; PolyPhen-2: "Probably Damaging"; Align-GVGD: "Class C0"). This variant has not been reported in the literature in individuals affected with LRP2-related conditions. This sequence change replaces serine, which is neutral and polar, with asparagine, which is neutral and polar, at codon 3762 of the LRP2 protein (p.Ser3762Asn).

NM_004525.3(LRP2):c.11285G>A (p.Ser3762Asn)

Gene: LRP2 (LDL receptor related protein 2; minus strand). Cytogenetic location: 2q31.1.
Variant type: single nucleotide variant.
Coding change: c.11285G>A on transcript NM_004525.3 (MANE Select); coding-DNA position 11285, G replaced by A.
Protein change: p.Ser3762Asn; replaces serine 3762 with asparagine.
Molecular consequence: missense variant.
Genome position (GRCh38, 1-based): chr2:169,170,646, C>T on the plus strand (G>A on the coding strand, the complement: LRP2 is on the minus strand). VCF-style: chr2-169170646-C-T. GRCh37 (hg19) VCF-style: chr2-170027156-C-T.
Other names: short protein forms S3762N.
Identifiers: ClinVar variation 2053777 (VCV002053777.3), dbSNP rs1028644207, ClinGen allele CA59908067.